The following is an entry in ClinVar:

NM_025114.4(CEP290):c.4546G>T (p.Glu1516Ter)

Gene: CEP290 (centrosomal protein 290; minus strand). Cytogenetic location: 12q21.32.
Variant type: single nucleotide variant.
Coding change: c.4546G>T on transcript NM_025114.4 (MANE Select); coding-DNA position 4546, G replaced by T.
Protein change: p.Glu1516Ter; replaces glutamic acid 1516 with a stop codon.
Molecular consequence: nonsense.
Genome position (GRCh38, 1-based): chr12:88,084,744, C>A on the plus strand (G>T on the coding strand, the complement: CEP290 is on the minus strand). VCF-style: chr12-88084744-C-A. GRCh37 (hg19) VCF-style: chr12-88478521-C-A.
Other names: short protein forms E1516*.
Identifiers: ClinVar variation 5016279 (VCV005016279.1).

ClinVar aggregate classification (germline): Pathogenic (1 of 4 stars; one submission).

Conditions:
CEP290-related ciliopathy. Also called: CEP290 ciliopathy. Identifiers: MedGen CN305601, MONDO:0100451.

Submission:

Myriad Genetics, Inc.
Classification: Pathogenic for CEP290-related ciliopathy. Last evaluated: 2026-08-25. Review status: criteria provided, single submitter. Criteria: Myriad Autosomal Dominant, Autosomal Recessive and X-Linked Classification Criteria (2023). Collection method: clinical testing. Allele origin: unknown.
Comment: NM_025114.3(CEP290):c.4546G>T(E1516*) is expected to be pathogenic in the context of CEP290-related disorders. This variant is predicted to lead to an abnormal or absent protein product due to the creation of a premature termination codon in CEP290, a gene where loss-of-function variants are known to be pathogenic. Please note: this variant was assessed in the context of healthy population screening.